The following is an entry in ClinVar:

NM_004606.5(TAF1):c.5584T>G (p.Ser1862Ala)

Gene: TAF1 (TATA-box binding protein associated factor 1; plus strand). Cytogenetic location: Xq13.1.
Variant type: single nucleotide variant.
Coding change: c.5584T>G on transcript NM_004606.5 (MANE Select); coding-DNA position 5584, T replaced by G.
Protein change: p.Ser1862Ala; replaces serine 1862 with alanine.
Molecular consequence: missense variant.
Genome position (GRCh38, 1-based): chrX:71,464,008, T>G. VCF-style: chrX-71464008-T-G. GRCh37 (hg19) VCF-style: chrX-70683858-T-G.
Other names: c.5590T>G, p.Ser1864Ala (NM_001286074.2); c.5521T>G, p.Ser1841Ala (NM_138923.4); short protein forms S1841A, S1862A, S1864A.
Identifiers: ClinVar variation 3897341 (VCV003897341.1).

ClinVar aggregate classification (germline): Uncertain significance (1 of 4 stars; one submission).

Submission:

GeneDx
Classification: Uncertain significance. Last evaluated: 2024-11-01. Review status: criteria provided, single submitter. Criteria: GeneDx Variant Classification Process June 2021. Collection method: clinical testing. Allele origin: germline. Affected: yes.
Comment: Not observed at significant frequency in large population cohorts (gnomAD); In silico analysis indicates that this missense variant does not alter protein structure/function; Has not been previously published as pathogenic or benign to our knowledge